The following is an entry in ClinVar:

NM_001199107.2(TBC1D24):c.1526G>C (p.Gly509Ala)

Gene: TBC1D24 (TBC1 domain family member 24; plus strand). Cytogenetic location: 16p13.3.
Variant type: single nucleotide variant.
Coding change: c.1526G>C on transcript NM_001199107.2 (MANE Select); coding-DNA position 1526, G replaced by C.
Protein change: p.Gly509Ala; replaces glycine 509 with alanine.
Molecular consequence: missense variant.
Genome position (GRCh38, 1-based): chr16:2,500,804, G>C. VCF-style: chr16-2500804-G-C. GRCh37 (hg19) VCF-style: chr16-2550805-G-C.
Other names: c.1508G>C, p.Gly503Ala (NM_020705.3); short protein forms G503A, G509A.
Identifiers: ClinVar variation 3601866 (VCV003601866.1).
Genomic context (GRCh38, chr16:2,500,804, plus strand): 5'-AGGTGCCTGGGTCAGTGCTGATAGGGCAGTCAGGCCGCCACTGACCTGAGCATCCTGCAG[G>C]GGGAGGAGGCGGCCAGGCGCTCTACATCGATGGGGACCTGAACCGGGGCCGCACAAGCCA-3'
Protein context (NP_001186036.1, residues 499-519): MAGGSDCLIV[Gly509Ala]GGGGQALYID

ClinVar aggregate classification (germline): Likely pathogenic (1 of 4 stars; one submission).

Conditions:
Autosomal recessive nonsyndromic hearing loss 86 (DFNB86). Also called: TBC1D24-Related Autosomal Recessive Nonsyndromic Hearing Loss (DFNB); Deafness , autosomal recessive 86. Identifiers: Orphanet 90636, MedGen C2829265, MONDO:0013826, OMIM 614617.

gnomAD v4.1: 2 of 1,603,666 alleles (0.00012%); highest among the groups gnomAD compares: Non-Finnish European, 0.00017%; no homozygotes.

Submission:

Institute of Rare Diseases, West China Hospital, Sichuan University
Classification: Likely pathogenic for Autosomal recessive nonsyndromic hearing loss 86. Last evaluated: 2025-01-09. Review status: criteria provided, single submitter. Criteria: ClinGen HL ACMG Specifications v1. Collection method: research. Allele origin: germline. Affected: yes.
Comment: PM3;PM5;PP1;PM2_Supporting;PP3